The following is an entry in ClinVar:

ClinVar aggregate classification (germline): Uncertain significance (1 of 4 stars; one submission).

Submission:

Women's Health and Genetics/Laboratory Corporation of America, LabCorp
Classification: Uncertain significance. Last evaluated: 2023-11-20. Review status: criteria provided, single submitter. Criteria: LabCorp Variant Classification Summary - May 2015. Collection method: clinical testing. Allele origin: germline.
Comment: Variant summary: The variant involves the duplication of exon 71 in the DMD gene. A presumed nomenclature of c.(10223+1_10224-1)_(10262+1_10263-1)dup has been designated for the purposes of this classification. The frequency data for this variant in gnomAD is considered unreliable, as metrics indicate poor data quality at this position. It is assumed to be a tandem duplication in direct orientation (Richardson_GIM_2018, Newman_AJHG_2015). This Copy Number Variant (CNV) is predicted to result in an in-frame duplication within this gene. c.(10223+1_10224-1)_(10262+1_10263-1)dup has been reported in the literature in individuals affected with Dystrophinopathies (Li_2015). These data do not allow any conclusion about variant significance. To our knowledge, no experimental evidence demonstrating an impact on protein function has been reported. The following publication have been ascertained in the context of this evaluation (PMID: 25612904). No submitters have cited clinical-significance assessments for this variant to ClinVar after 2014. Based on the evidence outlined above, the variant was classified as uncertain significance.

Literature cited by the submitters: PubMed 25612904.

NC_000023.10:g.(31191722_31196048)_(31196088_31196785)dup

Gene: DMD (dystrophin; minus strand). Cytogenetic location: Xp21.2.
Variant type: Duplication.
Identifiers: ClinVar variation 2682186 (VCV002682186.1).